The following is an entry in ClinVar:

ClinVar aggregate classification (germline): Likely benign. Review status: criteria provided, multiple submitters, no conflicts (2 of 4 stars). 3 submissions from 3 submitters: Likely benign (3). Last evaluated 2026-03-01.

Conditions:
Inborn genetic diseases. Identifiers: MedGen C0950123, MeSH D030342.

Allele frequency attached by ClinVar (database versions not stated): gnomAD 0.00004; gnomAD exomes 0.00004; TOPMed 0.00004; ExAC 0.00005; ESP Exome Variant Server 0.00015.
gnomAD v4.1: 16 of 1,612,816 alleles (0.00099%); highest among the groups gnomAD compares: African/African-American, 0.02%; no homozygotes.

Submissions (3):

CeGaT Center for Human Genetics Tuebingen
Classification: Likely benign. Last evaluated: 2026-03-01. Review status: criteria provided, single submitter. Criteria: CeGaT Center For Human Genetics Tuebingen Variant Classification Criteria Version 2. Collection method: clinical testing. Allele origin: germline. Affected: yes. Observed: 1 variant allele.
Comment: ANKRD11: BP4

GeneDx
Classification: Likely benign. Last evaluated: 2021-05-18. Review status: criteria provided, single submitter. Criteria: GeneDx Variant Classification Process June 2021. Collection method: clinical testing. Allele origin: germline. Affected: yes.

Ambry Genetics
Classification: Likely benign for Inborn genetic diseases. Last evaluated: 2019-01-18. Review status: criteria provided, single submitter. Criteria: Ambry Variant Classification Scheme 2023. Collection method: clinical testing. Allele origin: germline.

NM_013275.6(ANKRD11):c.2239T>C (p.Ser747Pro)

Gene: ANKRD11 (ankyrin repeat domain 11; minus strand). Cytogenetic location: 16q24.3.
Variant type: single nucleotide variant.
Coding change: c.2239T>C on transcript NM_013275.6 (MANE Select); coding-DNA position 2239, T replaced by C.
Protein change: p.Ser747Pro; replaces serine 747 with proline.
Molecular consequence: missense variant.
Genome position (GRCh38, 1-based): chr16:89,284,303, A>G on the plus strand (T>C on the coding strand, the complement: ANKRD11 is on the minus strand). VCF-style: chr16-89284303-A-G. GRCh37 (hg19) VCF-style: chr16-89350711-A-G.
Other names: c.2239T>C, p.Ser747Pro (NM_001256182.2, NM_001256183.2); short protein forms S747P.
Identifiers: ClinVar variation 1326138 (VCV001326138.8), dbSNP rs142059753, ClinGen allele CA8242613.